The following is an entry in ClinVar:

ClinVar aggregate classification (germline): Uncertain significance. Review status: criteria provided, multiple submitters, no conflicts (2 of 4 stars). 2 submissions from 2 submitters: Uncertain significance (2). Last evaluated 2025-08-18.

Conditions:
Inborn genetic diseases. Identifiers: MedGen C0950123, MeSH D030342.
Glycogen storage disease IXd (GSD9D). Also called: GSD IXd; Muscle Phosphorylase Kinase Deficiency. Identifiers: Orphanet 715, MedGen C1845151, MONDO:0010362, OMIM 300559.

Allele frequency attached by ClinVar (database versions not stated): gnomAD exomes 0.00002; gnomAD 0.00003; TOPMed 0.00006; ExAC 0.00015.
gnomAD v4.1: 27 of 1,182,855 alleles (0.0023%); highest among the groups gnomAD compares: Admixed American, 0.059%; no homozygotes.

Submissions (2):

Labcorp Genetics (formerly Invitae), Labcorp
Classification: Uncertain significance for Glycogen storage disease IXd. Last evaluated: 2025-08-18. Review status: criteria provided, single submitter. Criteria: Invitae Variant Classification Sherloc (09022015). Collection method: clinical testing. Allele origin: germline.
Comment: This sequence change replaces proline, which is neutral and non-polar, with threonine, which is neutral and polar, at codon 738 of the PHKA1 protein (p.Pro738Thr). The frequency data for this variant in the population databases is considered unreliable, as metrics indicate poor data quality at this position in the gnomAD database. This variant has not been reported in the literature in individuals affected with PHKA1-related conditions. ClinVar contains an entry for this variant (Variation ID: 1983620). Invitae Evidence Modeling of protein sequence and biophysical properties (such as structural, functional, and spatial information, amino acid conservation, physicochemical variation, residue mobility, and thermodynamic stability) indicates that this missense variant is not expected to disrupt PHKA1 protein function with a negative predictive value of 80%. In summary, the available evidence is currently insufficient to determine the role of this variant in disease. Therefore, it has been classified as a Variant of Uncertain Significance.

Ambry Genetics
Classification: Uncertain significance for Inborn genetic diseases. Last evaluated: 2022-06-03. Review status: criteria provided, single submitter. Criteria: Ambry Variant Classification Scheme 2023. Collection method: clinical testing. Allele origin: germline.

NM_002637.4(PHKA1):c.2212C>A (p.Pro738Thr)

Gene: PHKA1 (phosphorylase kinase regulatory subunit alpha 1; minus strand). Cytogenetic location: Xq13.1.
Variant type: single nucleotide variant.
Coding change: c.2212C>A on transcript NM_002637.4 (MANE Select); coding-DNA position 2212, C replaced by A.
Protein change: p.Pro738Thr; replaces proline 738 with threonine.
Molecular consequence: missense variant.
Genome position (GRCh38, 1-based): chrX:72,619,231, G>T on the plus strand (C>A on the coding strand, the complement: PHKA1 is on the minus strand). VCF-style: chrX-72619231-G-T. GRCh37 (hg19) VCF-style: chrX-71839081-G-T.
Other names: c.2035C>A, p.Pro679Thr (NM_001172436.2); c.2212C>A, p.Pro738Thr (NM_001122670.2); short protein forms P738T, P679T.
Identifiers: ClinVar variation 1983620 (VCV001983620.5), dbSNP rs782034253, ClinGen allele CA10450741.